The following is an entry in ClinVar:

NM_172364.5(CACNA2D4):c.2332G>T (p.Val778Phe)

Gene: CACNA2D4 (calcium voltage-gated channel auxiliary subunit alpha2delta 4; minus strand). Cytogenetic location: 12p13.33.
Variant type: single nucleotide variant.
Coding change: c.2332G>T on transcript NM_172364.5 (MANE Select); coding-DNA position 2332, G replaced by T.
Protein change: p.Val778Phe; replaces valine 778 with phenylalanine.
Molecular consequence: missense variant.
Genome position (GRCh38, 1-based): chr12:1,846,604, C>A on the plus strand (G>T on the coding strand, the complement: CACNA2D4 is on the minus strand). VCF-style: chr12-1846604-C-A. GRCh37 (hg19) VCF-style: chr12-1955770-C-A.
Other names: short protein forms V778F.
Identifiers: ClinVar variation 2768785 (VCV002768785.3), dbSNP rs1429627928, ClinGen allele CA383359251.
Genomic context (GRCh38, chr12:1,846,604, plus strand): 5'-CCTCTCTGCCCTGCAGGGATTGCCCTCCCGAGGTGGCCGGCCCAACCCACCTGTCGGAGA[C>A]CTTCTCGGAGCCCACGAACAAGCTGCTTCTCAGGAGGCCAGCCCGGGTGCCCAGGAAGGC-3'
Protein context (NP_758952.4, residues 768-788): RSSLFVGSEK[Val778Phe]SDRKFLTPED

ClinVar aggregate classification (germline): Uncertain significance (1 of 4 stars; one submission).

Submission:

Labcorp Genetics (formerly Invitae), Labcorp
Classification: Uncertain significance. Last evaluated: 2023-10-23. Review status: criteria provided, single submitter. Criteria: Invitae Variant Classification Sherloc (09022015). Collection method: clinical testing. Allele origin: germline.
Comment: This sequence change replaces valine, which is neutral and non-polar, with phenylalanine, which is neutral and non-polar, at codon 778 of the CACNA2D4 protein (p.Val778Phe). This variant is not present in population databases (gnomAD no frequency). This variant has not been reported in the literature in individuals affected with CACNA2D4-related conditions. An algorithm developed to predict the effect of missense changes on protein structure and function (PolyPhen-2) suggests that this variant is likely to be tolerated. In summary, the available evidence is currently insufficient to determine the role of this variant in disease. Therefore, it has been classified as a Variant of Uncertain Significance.